The following is an entry in ClinVar:

ClinVar aggregate classification (germline): Uncertain significance. Review status: criteria provided, multiple submitters, no conflicts (2 of 4 stars). 2 submissions from 2 submitters: Uncertain significance (2). Last evaluated 2022-01-13.

Conditions:
Fraser syndrome 1 (FRASRS1). Also called: CRYPTOPHTHALMOS WITH OTHER MALFORMATIONS. Identifiers: Orphanet 2052, MedGen C4551480, MONDO:0054737, OMIM 219000.

Allele frequency attached by ClinVar (database versions not stated): gnomAD 0.00001; gnomAD exomes 0.00001 and 0.00002; ExAC 0.00002.
gnomAD v4.1: 19 of 1,613,844 alleles (0.0012%); highest among the groups gnomAD compares: South Asian, 0.0066%; no homozygotes.

Submissions (2):

Fulgent Genetics
Classification: Uncertain significance for Fraser syndrome 1. Last evaluated: 2022-01-13. Review status: criteria provided, single submitter. Criteria: ACMG Guidelines, 2015. Collection method: clinical testing. Allele origin: unknown.

Labcorp Genetics (formerly Invitae), Labcorp
Classification: Uncertain significance. Last evaluated: 2021-12-08. Review status: criteria provided, single submitter. Criteria: Invitae Variant Classification Sherloc (09022015). Collection method: clinical testing. Allele origin: germline.
Comment: This sequence change replaces arginine, which is basic and polar, with tryptophan, which is neutral and slightly polar, at codon 3242 of the FRAS1 protein (p.Arg3242Trp). This variant is present in population databases (rs765238008, gnomAD 0.004%). This variant has not been reported in the literature in individuals affected with FRAS1-related conditions. Algorithms developed to predict the effect of missense changes on protein structure and function are either unavailable or do not agree on the potential impact of this missense change (SIFT: "Deleterious"; PolyPhen-2: "Probably Damaging"; Align-GVGD: "Class C0"). In summary, the available evidence is currently insufficient to determine the role of this variant in disease. Therefore, it has been classified as a Variant of Uncertain Significance.

NM_025074.7(FRAS1):c.9724C>T (p.Arg3242Trp)

Gene: FRAS1 (Fraser extracellular matrix complex subunit 1; plus strand). Cytogenetic location: 4q21.21.
Variant type: single nucleotide variant.
Coding change: c.9724C>T on transcript NM_025074.7 (MANE Select); coding-DNA position 9724, C replaced by T.
Protein change: p.Arg3242Trp; replaces arginine 3242 with tryptophan.
Molecular consequence: missense variant.
Genome position (GRCh38, 1-based): chr4:78,508,950, C>T. VCF-style: chr4-78508950-C-T. GRCh37 (hg19) VCF-style: chr4-79430104-C-T.
Other names: short protein forms R3242W.
Identifiers: ClinVar variation 1424908 (VCV001424908.6), dbSNP rs765238008, ClinGen allele CA2978738.
Genomic context (GRCh38, chr4:78,508,950, plus strand): 5'-AACCAGACATCTGTGCAGTTCAGCTGGGAAGTGGCTGCCCCCACTGATGGCAATGGGGCC[C>T]GGTCTCCCTTTGAAACCATCACTGACAACACACCATTCACCAGTGTCAACCACATGGTAG-3'
Protein context (NP_079350.5, residues 3232-3252): VAAPTDGNGA[Arg3242Trp]SPFETITDNT